The following is an entry in ClinVar:

ClinVar aggregate classification (germline): Benign. Review status: criteria provided, multiple submitters, no conflicts (2 of 4 stars). 2 submissions from 2 submitters: Benign (2). Last evaluated 2024-01-24.

Submissions (2):

Unidad de Genómica Garrahan, Hospital de Pediatría Garrahan
Classification: Benign. Last evaluated: 2024-01-24. Review status: criteria provided, single submitter. Criteria: ACMG Guidelines, 2015. Collection method: clinical testing. Allele origin: germline. Affected: no. Observed: 19 variant alleles.
Comment: This variant is classified as Benign based on local population frequency. This variant was detected in 20% of patients studied by a panel of primary immunodeficiencies. Number of patients: 19. Only high quality variants are reported.

GeneDx
Classification: Benign. Last evaluated: 2019-08-24. Review status: criteria provided, single submitter. Criteria: GeneDx Variant Classification Process June 2021. Collection method: clinical testing. Allele origin: germline. Affected: yes.

NM_000631.5(NCF4):c.117+67_117+87del

Genes: NCF4 (neutrophil cytosolic factor 4; plus strand), NCF4-AS1 (NCF4 antisense RNA 1; minus strand). Cytogenetic location: 22q12.3.
Variant type: Deletion.
Coding change: c.117+67_117+87del on transcript NM_000631.5 (MANE Select); bases 67 to 87 of the intron after coding-DNA position 117, 21 bases deleted (TGCCCTCTGACCTCTGAACCT).
Molecular consequence: intron variant.
Genome position (GRCh38, 1-based): chr22:36,864,196-36,864,216, TGCCCTCTGACCTCTGAACCT deleted; deleting any 21 consecutive bases within chr22:36,864,181-36,864,216 gives the same sequence; the c. name uses the placement nearest the transcript's 3' end. VCF-style (leftmost placement, unchanged base first): chr22-36864180-GCTGACCTCTGAACCTTGCCCT-G. GRCh37 (hg19) VCF-style: chr22-37260222-GCTGACCTCTGAACCTTGCCCT-G.
Other names: c.117+67_117+87del (NM_013416.4).
Identifiers: ClinVar variation 1228664 (VCV001228664.5), dbSNP rs71738983, ClinGen allele CA10212856.
Genomic context (GRCh38, chr22:36,864,180, plus strand): 5'-CAGCCACTTTGTAAGACAGACTCCTAGTCCTTCACCCAACAACCTCTGAACTTCCACCCA[GCTGACCTCTGAACCTTGCCCT>G]CTGACCTCTGAACCTCCAATTCTCTGATCTCTTAACTTCTATCTCAGTGGTTCTCAACAG-3'